The following is an entry in ClinVar:

NM_000135.4(FANCA):c.827-1G>A

Gene: FANCA (FA complementation group A; minus strand). Cytogenetic location: 16q24.3.
Variant type: single nucleotide variant.
Coding change: c.827-1G>A on transcript NM_000135.4 (MANE Select); the canonical splice acceptor site of the intron before coding-DNA position 827, G replaced by A.
Molecular consequence: splice acceptor variant.
Genome position (GRCh38, 1-based): chr16:89,799,233, C>T on the plus strand (G>A on the coding strand, the complement: FANCA is on the minus strand). VCF-style: chr16-89799233-C-T. GRCh37 (hg19) VCF-style: chr16-89865641-C-T.
Other names: c.827-1G>A (NM_001286167.3, NM_001018112.3); c.731-1G>A (NM_001351830.2).
Identifiers: ClinVar variation 2831852 (VCV002831852.3), dbSNP rs753728435, ClinGen allele CA8252727.

ClinVar aggregate classification (germline): Likely pathogenic (1 of 4 stars; one submission).

Conditions:
Fanconi anemia (FA). Also called: Fanconi's anemia. Identifiers: Orphanet 84, MedGen C0015625, MeSH D005199, MONDO:0019391.

Allele frequency attached by ClinVar (database versions not stated): ExAC 0.00001.
gnomAD v4.1: 1 of 1,614,064 alleles (0.000062%); highest among the groups gnomAD compares: Admixed American, 0.0017%; no homozygotes.

Submission:

Labcorp Genetics (formerly Invitae), Labcorp
Classification: Likely pathogenic for Fanconi anemia. Last evaluated: 2023-01-25. Review status: criteria provided, single submitter. Criteria: Invitae Variant Classification Sherloc (09022015). Collection method: clinical testing. Allele origin: germline.
Comment: In summary, the currently available evidence indicates that the variant is pathogenic, but additional data are needed to prove that conclusively. Therefore, this variant has been classified as Likely Pathogenic. Algorithms developed to predict the effect of sequence changes on RNA splicing suggest that this variant may disrupt the consensus splice site. Disruption of this splice site has been observed in individual(s) with fanconi anemia (PMID: 15523645, 34585473). This variant is present in population databases (rs753728435, gnomAD 0.003%). This sequence change affects an acceptor splice site in intron 9 of the FANCA gene. It is expected to disrupt RNA splicing. Variants that disrupt the donor or acceptor splice site typically lead to a loss of protein function (PMID: 16199547), and loss-of-function variants in FANCA are known to be pathogenic (PMID: 19367192).

Literature cited by the submitters: PubMed 15523645; PubMed 34585473; PubMed 16199547; PubMed 19367192.